The following is an entry in ClinVar:

ClinVar aggregate classification (germline): Uncertain significance. Review status: criteria provided, multiple submitters, no conflicts (2 of 4 stars). 5 submissions from 5 submitters: Uncertain significance (5). Last evaluated 2025-11-10.

Conditions:
Cardiovascular phenotype. Identifiers: MedGen CN230736.
Desmin-related myofibrillar myopathy (MFM1). Also called: Desminopathy; Desmin related myopathy (former name); Desmin storage myopathy (former name); MYOFIBRILLAR MYOPATHY WITH ARRHYTHMOGENIC RIGHT VENTRICULAR CARDIOMYOPATHY; DESMIN-RELATED MYOPATHY WITH ARRHYTHMOGENIC RIGHT VENTRICULAR CARDIOMYOPATHY; Myofibrillar myopathy 1. Identifiers: Orphanet 363543, Orphanet 98909, MedGen C1832370, MONDO:0011076, OMIM 601419.
Dilated cardiomyopathy 1I (CMD1I). Identifiers: Orphanet 154, MedGen C1858154, MONDO:0011482, OMIM 604765.
Neurogenic scapuloperoneal syndrome, Kaeser type (SCPNK). Also called: KAESER SYNDROME. Identifiers: Orphanet 85146, MedGen C1867005, MONDO:0008407, OMIM 181400.

Allele frequency attached by ClinVar (database versions not stated): gnomAD exomes below 0.00001 and 0.00001; TOPMed below 0.00001; ExAC 0.00001; gnomAD 0.00001; ESP Exome Variant Server 0.00008.
gnomAD v4.1: 6 of 1,613,970 alleles (0.00037%); highest among the groups gnomAD compares: Non-Finnish European, 0.00042%; no homozygotes.

Submissions (5):

Ambry Genetics
Classification: Uncertain significance for Cardiovascular phenotype. Last evaluated: 2025-11-10. Review status: criteria provided, single submitter. Criteria: Ambry Variant Classification Scheme 2023. Collection method: clinical testing. Allele origin: germline.
Comment: The p.A360V variant (also known as c.1079C>T), located in coding exon 6 of the DES gene, results from a C to T substitution at nucleotide position 1079. The alanine at codon 360 is replaced by valine, an amino acid with similar properties. Different variants affecting this codon (p.A360P, c.1078G>C and p.A360S, c.1078G>T) have been reported in association with skeletal myopathy and/or cardiomyopathy (Goldfarb LG et al. Nat. Genet., 1998 Aug;19:402-3; Miszalski-Jamka K et al. Circ Cardiovasc Genet, 2017 Aug;10:). This amino acid position is highly conserved in available vertebrate species. In addition, this alteration is predicted to be deleterious by in silico analysis. Since supporting evidence is limited at this time, the clinical significance of this alteration remains unclear.

Labcorp Genetics (formerly Invitae), Labcorp
Classification: Uncertain significance for Desmin-related myofibrillar myopathy. Last evaluated: 2023-09-08. Review status: criteria provided, single submitter. Criteria: Invitae Variant Classification Sherloc (09022015). Collection method: clinical testing. Allele origin: germline.
Comment: This sequence change replaces alanine, which is neutral and non-polar, with valine, which is neutral and non-polar, at codon 360 of the DES protein (p.Ala360Val). This variant is present in population databases (rs141592925, gnomAD 0.0009%). This variant has not been reported in the literature in individuals affected with DES-related conditions. ClinVar contains an entry for this variant (Variation ID: 1015740). Advanced modeling of protein sequence and biophysical properties (such as structural, functional, and spatial information, amino acid conservation, physicochemical variation, residue mobility, and thermodynamic stability) has been performed at Invitae for this missense variant, however the output from this modeling did not meet the statistical confidence thresholds required to predict the impact of this variant on DES protein function. In summary, the available evidence is currently insufficient to determine the role of this variant in disease. Therefore, it has been classified as a Variant of Uncertain Significance.

GeneDx
Classification: Uncertain significance. Last evaluated: 2023-04-03. Review status: criteria provided, single submitter. Criteria: GeneDx Variant Classification Process June 2021. Collection method: clinical testing. Allele origin: germline. Affected: yes.
Comment: Has not been previously published as pathogenic or benign to our knowledge; Not observed at significant frequency in large population cohorts (gnomAD); In silico analysis supports that this missense variant does not alter protein structure/function

Mayo Clinic Laboratories, Mayo Clinic
Classification: Uncertain significance. Last evaluated: 2022-10-19. Review status: criteria provided, single submitter. Criteria: ACMG Guidelines, 2015. Collection method: clinical testing. Allele origin: germline. Observed: 1 variant allele.

Fulgent Genetics
Classification: Uncertain significance for Neurogenic scapuloperoneal syndrome, Kaeser type; Desmin-related myofibrillar myopathy; Dilated cardiomyopathy 1I. Last evaluated: 2021-10-26. Review status: criteria provided, single submitter. Criteria: ACMG Guidelines, 2015. Collection method: clinical testing. Allele origin: unknown.

Literature cited by the submitters: PubMed 28798025 (cited by Ambry Genetics); PubMed 9697706 (cited by Ambry Genetics).

NM_001927.4(DES):c.1079C>T (p.Ala360Val)

Gene: DES (desmin; plus strand). Cytogenetic location: 2q35.
Variant type: single nucleotide variant.
Coding change: c.1079C>T on transcript NM_001927.4 (MANE Select); coding-DNA position 1079, C replaced by T.
Protein change: p.Ala360Val; replaces alanine 360 with valine.
Molecular consequence: missense variant. On other transcripts: intron variant (2).
Genome position (GRCh38, 1-based): chr2:219,421,395, C>T. VCF-style: chr2-219421395-C-T. GRCh37 (hg19) VCF-style: chr2-220286117-C-T.
Other names: p.Ala360Val; c.1076C>T, p.Ala359Val (NM_001382708.1); c.1058C>T, p.Ala353Val (NM_001382711.1); c.1079C>T, p.Ala360Val (NM_001382712.1); c.809C>T, p.Ala270Val (NM_001382713.1); c.1024-14C>T (NM_001382710.1); c.736-89C>T (NM_001382709.1); short protein forms A270V, A353V, A359V, A360V.
Identifiers: ClinVar variation 1015740 (VCV001015740.13), dbSNP rs141592925, ClinGen allele CA2125236.